The following is an entry in ClinVar:

ClinVar aggregate classification (germline): Uncertain significance (1 of 4 stars; one submission).

Submission:

GeneDx
Classification: Uncertain significance. Last evaluated: 2024-06-28. Review status: criteria provided, single submitter. Criteria: GeneDx Variant Classification Process June 2021. Collection method: clinical testing. Allele origin: germline. Affected: yes.
Comment: Not observed at significant frequency in large population cohorts (gnomAD); In silico analysis supports that this missense variant has a deleterious effect on protein structure/function; Has not been previously published as pathogenic or benign to our knowledge

NM_017672.6(TRPM7):c.1592A>G (p.Lys531Arg)

Gene: TRPM7 (transient receptor potential cation channel subfamily M member 7; minus strand). Cytogenetic location: 15q21.2.
Variant type: single nucleotide variant.
Coding change: c.1592A>G on transcript NM_017672.6 (MANE Select); coding-DNA position 1592, A replaced by G.
Protein change: p.Lys531Arg; replaces lysine 531 with arginine.
Molecular consequence: missense variant. On other transcripts: non-coding transcript variant (3).
Genome position (GRCh38, 1-based): chr15:50,614,166, T>C on the plus strand (A>G on the coding strand, the complement: TRPM7 is on the minus strand). VCF-style: chr15-50614166-T-C. GRCh37 (hg19) VCF-style: chr15-50906363-T-C.
Other names: c.1592A>G, p.Lys531Arg (NM_001301212.2); short protein forms K531R.
Identifiers: ClinVar variation 3392974 (VCV003392974.1).